The following is an entry in ClinVar:

NM_018344.6(SLC29A3):c.610+1G>A

Gene: SLC29A3 (solute carrier family 29 member 3; plus strand). Cytogenetic location: 10q22.1.
Variant type: single nucleotide variant.
Coding change: c.610+1G>A on transcript NM_018344.6 (MANE Select); the canonical splice donor site of the intron after coding-DNA position 610, G replaced by A.
Molecular consequence: splice donor variant.
Genome position (GRCh38, 1-based): chr10:71,351,789, G>A. VCF-style: chr10-71351789-G-A. GRCh37 (hg19) VCF-style: chr10-73111546-G-A.
Other names: c.376+1G>A (NM_001363518.2); c.610+1G>A (NM_001174098.2, NM_018344.5).
Identifiers: ClinVar variation 1484112 (VCV001484112.9), dbSNP rs1166563034, ClinGen allele CA377110030.

ClinVar aggregate classification (germline): Likely pathogenic. Review status: criteria provided, multiple submitters, no conflicts (2 of 4 stars). 2 submissions from 2 submitters: Likely pathogenic (2). Last evaluated 2025-07-06.

Conditions:
SLC29A3-related disorder. Also called: SLC29A3-related condition.
H syndrome. Also called: Asrar Facharzt Haque syndrome; Pigmented hypertrichosis and insulin-dependent diabetes mellitus; HISTIOCYTOSIS AND LYMPHADENOPATHY WITH OR WITHOUT CUTANEOUS, CARDIAC, AND/OR ENDOCRINE FEATURES, JOINT CONTRACTURES, AND/OR DEAFNESS; HYPERPIGMENTATION, CUTANEOUS, WITH HYPERTRICHOSIS, HEPATOSPLENOMEGALY, HEART ANOMALIES, AND HYPOGONADISM WITH OR WITHOUT HEARING LOSS; PIGMENTED HYPERTRICHOSIS WITH INSULIN-DEPENDENT DIABETES MELLITUS; ROSAI-DORFMAN DISEASE, FAMILIAL. Identifiers: Orphanet 168569, MedGen C1864445, MONDO:0011273, OMIM 602782.

Allele frequency attached by ClinVar (database versions not stated): gnomAD 0.00001; gnomAD exomes 0.00001; TOPMed 0.00001.
gnomAD v4.1: 30 of 1,609,038 alleles (0.0019%); highest among the groups gnomAD compares: Non-Finnish European, 0.0024%; no homozygotes.

Submissions (2):

Labcorp Genetics (formerly Invitae), Labcorp
Classification: Likely pathogenic for H syndrome. Last evaluated: 2025-07-06. Review status: criteria provided, single submitter. Criteria: Invitae Variant Classification Sherloc (09022015). Collection method: clinical testing. Allele origin: germline.
Comment: This sequence change affects a donor splice site in intron 4 of the SLC29A3 gene. It is expected to disrupt RNA splicing. Variants that disrupt the donor or acceptor splice site typically lead to a loss of protein function (PMID: 16199547), and loss-of-function variants in SLC29A3 are known to be pathogenic (PMID: 19336477, 20595384, 23406517, 25963354). This variant is present in population databases (no rsID available, gnomAD 0.002%). Disruption of this splice site has been observed in individual(s) with H syndrome (PMID: 29041934). ClinVar contains an entry for this variant (Variation ID: 1484112). Algorithms developed to predict the effect of sequence changes on RNA splicing suggest that this variant may disrupt the consensus splice site. In summary, the currently available evidence indicates that the variant is pathogenic, but additional data are needed to prove that conclusively. Therefore, this variant has been classified as Likely Pathogenic.

PreventionGenetics, part of Exact Sciences
Classification: Likely pathogenic for SLC29A3-related condition. Last evaluated: 2024-12-09. Review status: criteria provided, single submitter. Criteria: ACMG Guidelines, 2015. Collection method: clinical testing. Allele origin: germline.
Comment: The SLC29A3 c.610+1G>A variant is predicted to disrupt the GT donor site and interfere with normal splicing. To our knowledge, this variant has not been reported in the literature. However, alternate nucleotide change affecting this splice site has been observed in individuals with H syndrome (c.610+1G>C, Bloom et al. 2017. PubMed ID: 29041934). This variant is reported in 0.0018% of alleles in individuals of European (Non-Finnish) descent in gnomAD. Variants that disrupt the consensus splice donor site in SLC29A3 are expected to be pathogenic. This variant is interpreted as likely pathogenic.

Literature cited by the submitters: PubMed 16199547 (cited by Labcorp Genetics (formerly Invitae), Labcorp); PubMed 19336477 (cited by Labcorp Genetics (formerly Invitae), Labcorp); PubMed 20595384 (cited by Labcorp Genetics (formerly Invitae), Labcorp); PubMed 23406517 (cited by Labcorp Genetics (formerly Invitae), Labcorp); PubMed 25963354 (cited by Labcorp Genetics (formerly Invitae), Labcorp); PubMed 29041934 (cited by Labcorp Genetics (formerly Invitae), Labcorp).